The following is an entry in ClinVar:

ClinVar aggregate classification (germline): Pathogenic (1 of 4 stars; one submission).

Conditions:
CHD7-related disorder. Also called: CHD7-related condition.

Submission:

Rady Children's Institute for Genomic Medicine, Rady Children's Hospital San Diego
Classification: Pathogenic for CHD7-related disorders. Last evaluated: 2024-08-15. Review status: criteria provided, single submitter. Criteria: ACMG Guidelines, 2015. Collection method: clinical testing. Allele origin: germline. Affected: yes.
Comment: This frameshifting variant in exon 3 of 38 is predicted to result in loss of normal protein function through either protein truncation or nonsense-mediated mRNA decay. The CHD7 gene is constrained against variation (Z-score= 3.96 and pLI = 1), and loss-of-function variants are an established mechanism of disease (PMID: 20301296). This variant has not been previously reported or functionally characterized in the literature to our knowledge. The c.1748_1751del (p.Ser583MetfsTer7) variant is absent from the latest version of the gnomAD population database and thus is presumed to be rare. Based on parental analysis, this variant likely occurred as a de novo event. Based on the available evidence, c.1748_1751del (p.Ser583MetfsTer7) is classified as Pathogenic.

NM_017780.4(CHD7):c.1748_1751del (p.Ser583fs)

Genes: CHD7 (chromodomain helicase DNA binding protein 7; plus strand), LOC126860403 (CDK7 strongly-dependent group 2 enhancer GRCh37_chr8:61693034-61694233; plus strand). Cytogenetic location: 8q12.2.
Variant type: Deletion.
Coding change: c.1748_1751del on transcript NM_017780.4 (MANE Select); coding-DNA positions 1748 to 1751, 4 bases deleted (GTGA; older notation c.1748_1751delGTGA).
Protein change: p.Ser583fs; shifts the reading frame from serine 583.
Molecular consequence: frameshift variant. On other transcripts: intron variant (1).
Genome position (GRCh38, 1-based): chr8:60,781,082-60,781,085, GTGA deleted; deleting any 4 consecutive bases within chr8:60,781,080-60,781,085 gives the same sequence; the c. name uses the placement nearest the transcript's 3' end. VCF-style (leftmost placement, unchanged base first): chr8-60781079-AGAGT-A. GRCh37 (hg19) VCF-style: chr8-61693638-AGAGT-A.
Other names: c.1716+32_1716+35del (NM_001316690.1); short protein forms S583fs.
Identifiers: ClinVar variation 3773833 (VCV003773833.1).
Genomic context (GRCh38, chr8:60,781,079, plus strand): 5'-TTCTAGAGAAACCAGTGCCGGATATGACTCAGGTTAGTGGACCGAATGCTCAGCTAGTGA[AGAGT>A]GATGATTACCTGCCATCAATAGAACAGCAGCCACAACAAAAGAAGAAGAAAAAGAAAAAC-3'